The following is an entry in ClinVar:

ClinVar aggregate classification (germline): Likely pathogenic (1 of 4 stars; one submission).

Conditions:
Autosomal recessive limb-girdle muscular dystrophy type 2K. Also called: MUSCULAR DYSTROPHY-DYSTROGLYCANOPATHY (LIMB-GIRDLE), TYPE C, 1; MUSCULAR DYSTROPHY, LIMB-GIRDLE, TYPE 2K. Identifiers: Orphanet 86812, MedGen C1836373, MONDO:0012248, OMIM 609308.
Walker-Warburg congenital muscular dystrophy. Also called: Muscular dystrophy-dystroglycanopathy, type A; Walker-Warburg syndrome. Identifiers: Orphanet 899, MedGen C0265221, MONDO:0000171.
Muscular dystrophy-dystroglycanopathy (congenital with impaired intellectual development), type B, 1. Also called: Muscular dystrophy-dystroglycanopathy (congenital with intellectual disability), type B1; MUSCULAR DYSTROPHY, CONGENITAL, POMT1-RELATED. Identifiers: MedGen C5436962, MONDO:0013159, OMIM 613155.

Allele frequency attached by ClinVar (database versions not stated): gnomAD exomes below 0.00001; gnomAD 0.00001 and below 0.00001.
gnomAD v4.1: 2 of 1,614,104 alleles (0.00012%); highest among the groups gnomAD compares: South Asian, 0.0022%; no homozygotes.

Submission:

Labcorp Genetics (formerly Invitae), Labcorp
Classification: Likely pathogenic for Muscular dystrophy-dystroglycanopathy (congenital with impaired intellectual development), type B, 1; Walker-Warburg congenital muscular dystrophy; Autosomal recessive limb-girdle muscular dystrophy type 2K. Last evaluated: 2024-12-24. Review status: criteria provided, single submitter. Criteria: Invitae Variant Classification Sherloc (09022015). Collection method: clinical testing. Allele origin: germline.
Comment: This sequence change replaces tyrosine, which is neutral and polar, with cysteine, which is neutral and slightly polar, at codon 431 of the POMT1 protein (p.Tyr431Cys). This variant is not present in population databases (gnomAD no frequency). This missense change has been observed in individual(s) with clinical features of POMT1-related conditions (internal data). In at least one individual the data is consistent with being in trans (on the opposite chromosome) from a pathogenic variant. ClinVar contains an entry for this variant (Variation ID: 961678). Invitae Evidence Modeling of protein sequence and biophysical properties (such as structural, functional, and spatial information, amino acid conservation, physicochemical variation, residue mobility, and thermodynamic stability) indicates that this missense variant is expected to disrupt POMT1 protein function with a positive predictive value of 95%. In summary, the currently available evidence indicates that the variant is pathogenic, but additional data are needed to prove that conclusively. Therefore, this variant has been classified as Likely Pathogenic.

NM_001077365.2(POMT1):c.1226A>G (p.Tyr409Cys)

Gene: POMT1 (protein O-mannosyltransferase 1; plus strand). Cytogenetic location: 9q34.13.
Variant type: single nucleotide variant.
Coding change: c.1226A>G on transcript NM_001077365.2 (MANE Select); coding-DNA position 1226, A replaced by G.
Protein change: p.Tyr409Cys; replaces tyrosine 409 with cysteine.
Molecular consequence: missense variant. On other transcripts: non-coding transcript variant (10).
Genome position (GRCh38, 1-based): chr9:131,515,476, A>G. VCF-style: chr9-131515476-A-G. GRCh37 (hg19) VCF-style: chr9-134390863-A-G.
Other names: c.1064A>G, p.Tyr355Cys (NM_001077366.2, NM_001353194.2); c.1226A>G, p.Tyr409Cys (NM_001136113.2, NM_001374690.1); c.875A>G, p.Tyr292Cys (NM_001136114.2, NM_001353195.2, NM_001374691.1 and 2 more transcripts); c.1292A>G, p.Tyr431Cys (NM_001353193.2, NM_007171.4); c.1136A>G, p.Tyr379Cys (NM_001353196.2); c.1130A>G, p.Tyr377Cys (NM_001353197.2, NM_001353198.2); c.941A>G, p.Tyr314Cys (NM_001353199.2); c.770A>G, p.Tyr257Cys (NM_001353200.2); and 2 more; short protein forms Y257C, Y377C, Y431C, Y292C, Y379C, Y279C, Y314C, Y355C.
Identifiers: ClinVar variation 961678 (VCV000961678.10), dbSNP rs1948104184, ClinGen allele CA375310006.
Genomic context (GRCh38, chr9:131,515,476, plus strand): 5'-GGTTTTCCAGGCATGATGTTGCAGCCCCCCTGAGCCCCCATTCACAGGAGGTCTCCTGCT[A>G]CATTGACTATAACATCTCCATGCCCGCCCAGAACCTCTGGAGACTGGTGAGTAAGGCTGC-3'
Protein context (NP_001070833.1, residues 399-419): LSPHSQEVSC[Tyr409Cys]IDYNISMPAQ